The following is an entry in ClinVar:

NM_000535.7(PMS2):c.1743del (p.Glu582fs)

Gene: PMS2 (PMS1 homolog 2, mismatch repair system component; minus strand). Cytogenetic location: 7p22.1.
Variant type: Deletion.
Coding change: c.1743del on transcript NM_000535.7 (MANE Select); coding-DNA position 1743, one base deleted (A; older notation c.1743delA).
Protein change: p.Glu582fs; shifts the reading frame from glutamic acid 582.
Molecular consequence: frameshift variant. On other transcripts: non-coding transcript variant (1).
Genome position (GRCh38, 1-based): chr7:5,987,022, T deleted on the plus strand (A on the coding strand, the reverse complement: PMS2 is on the minus strand); the first of 6 consecutive T bases (chr7:5,987,022-5,987,027); deleting any one gives the same sequence. VCF-style (leftmost placement, unchanged base first): chr7-5987021-CT-C. GRCh37 (hg19) VCF-style: chr7-6026652-CT-C.
Other names: c.1743del (NM_000535.5); c.1338del, p.Glu447fs (NM_001322003.2, NM_001322004.2, NM_001322005.2 and 1 more transcripts); c.1587del, p.Glu530fs (NM_001322006.2); c.1425del, p.Glu476fs (NM_001322007.2, NM_001322008.2); c.1182del, p.Glu395fs (NM_001322010.2); c.810del, p.Glu271fs (NM_001322011.2, NM_001322012.2); c.1170del, p.Glu391fs (NM_001322013.2); c.1743del, p.Glu582fs (NM_001322014.2); and 2 more; short protein forms E271fs, E395fs, E447fs, E479fs, E391fs, E530fs, E582fs, E476fs.
Identifiers: ClinVar variation 372470 (VCV000372470.29), dbSNP rs1057517801, ClinGen allele CA16042584.

ClinVar aggregate classification (germline): Pathogenic. Review status: criteria provided, multiple submitters, no conflicts (2 of 4 stars). 8 submissions from 8 submitters: Pathogenic (8). Last evaluated 2025-08-11.

Conditions:
Hereditary nonpolyposis colorectal neoplasms. Identifiers: MedGen C0009405, MeSH D003123.
Hereditary nonpolyposis colon cancer (HNPCC). Also called: Hereditary Nonpolyposis Colorectal Cancer Syndrome; Hereditary nonpolyposis colorectal cancer; Familial nonpolyposis colon cancer. Identifiers: Orphanet 443909, MedGen C1333990, MONDO:0018630. Disease mechanism: loss of function.
Hereditary cancer-predisposing syndrome. Also called: Tumor predisposition; Hereditary neoplastic syndrome; Neoplastic Syndromes, Hereditary; Hereditary Cancer Syndrome. Identifiers: Orphanet 140162, MedGen C0027672, MeSH D009386, MONDO:0015356.
Lynch syndrome 4 (LYNCH4). Also called: Hereditary non-polyposis colorectal cancer, type 4; Colorectal cancer, hereditary nonpolyposis, type 4. Identifiers: Orphanet 144, MedGen C1838333, MONDO:0013699, OMIM 614337. Disease mechanism: loss of function.

Submissions (8):

Labcorp Genetics (formerly Invitae), Labcorp
Classification: Pathogenic for Hereditary nonpolyposis colorectal neoplasms. Last evaluated: 2025-08-11. Review status: criteria provided, single submitter. Criteria: Invitae Variant Classification Sherloc (09022015). Collection method: clinical testing. Allele origin: germline.
Comment: This sequence change creates a premature translational stop signal (p.Glu582Lysfs*13) in the PMS2 gene. It is expected to result in an absent or disrupted protein product. Loss-of-function variants in PMS2 are known to be pathogenic (PMID: 21376568, 24362816). This variant is not present in population databases (gnomAD no frequency). This variant has not been reported in the literature in individuals affected with PMS2-related conditions. ClinVar contains an entry for this variant (Variation ID: 372470). For these reasons, this variant has been classified as Pathogenic.

GeneDx
Classification: Pathogenic. Last evaluated: 2025-06-24. Review status: criteria provided, single submitter. Criteria: GeneDx Variant Classification Process June 2021. Collection method: clinical testing. Allele origin: germline. Affected: yes.
Comment: Observed in an individual with CMMR-D who also harbored a multi-exon duplication, variant phase information not provided (PMID: 30608896); Published functional studies demonstrate decreased mismatch repair ability (PMID: 30608896); Frameshift variant predicted to result in protein truncation or nonsense mediated decay in a gene for which loss-of-function is a known mechanism of disease; Truncating variants in this gene are considered pathogenic by a well-established clinical consortium and/or database; Not observed at significant frequency in large population cohorts (gnomAD); This variant is associated with the following publications: (PMID: 30787465, 32719484, 33471991, 30608896)

Ambry Genetics
Classification: Pathogenic for Hereditary cancer-predisposing syndrome. Last evaluated: 2024-03-15. Review status: criteria provided, single submitter. Criteria: Ambry Variant Classification Scheme 2023. Collection method: clinical testing. Allele origin: germline.
Comment: The c.1743delA pathogenic mutation, located in coding exon 11 of the PMS2 gene, results from a deletion of one nucleotide at nucleotide position 1743, causing a translational frameshift with a predicted alternate stop codon (p.E582Kfs*13). In addition to the clinical data presented in the literature, this alteration is expected to result in loss of function by premature protein truncation or nonsense-mediated mRNA decay. As such, this alteration is interpreted as a disease-causing mutation.

Baylor Genetics
Classification: Pathogenic for Lynch syndrome 4. Last evaluated: 2024-02-19. Review status: criteria provided, single submitter. Criteria: ACMG Guidelines, 2015. Collection method: clinical testing. Allele origin: unknown.

Myriad Genetics, Inc.
Classification: Pathogenic for Lynch syndrome 4. Last evaluated: 2023-09-20. Review status: criteria provided, single submitter. Criteria: Myriad Autosomal Dominant, Autosomal Recessive and X-Linked Classification Criteria (2023). Collection method: clinical testing. Allele origin: unknown.
Comment: This variant is considered pathogenic. This variant creates a frameshift predicted to result in premature protein truncation.

Quest Diagnostics Nichols Institute San Juan Capistrano
Classification: Pathogenic. Last evaluated: 2022-11-23. Review status: criteria provided, single submitter. Criteria: Quest Diagnostics criteria. Collection method: clinical testing. Allele origin: unknown.
Comment: This frameshift variant alters the translational reading frame of the PMS2 mRNA and causes the premature termination of PMS2 protein synthesis. This variant has not been reported in large, multi-ethnic general populations. In the published literature, the variant has been reported in individuals with Lynch syndrome-associated disease (PMID: 32719484 (2020), 30608896 (2019)) and has been reported to damage protein function (PMID: 30608896 (2019)). Based on the available information, this variant is classified as pathogenic.

Women's Health and Genetics/Laboratory Corporation of America, LabCorp
Classification: Pathogenic for Hereditary nonpolyposis colon cancer. Last evaluated: 2022-03-24. Review status: criteria provided, single submitter. Criteria: LabCorp Variant Classification Summary - May 2015. Collection method: clinical testing. Allele origin: germline.
Comment: Variant summary: PMS2 c.1743delA (p.Glu582LysfsX13) results in a premature termination codon, predicted to cause a truncation of the encoded protein or absence of the protein due to nonsense mediated decay, which are commonly known mechanisms for disease. Truncations downstream of this position have been classified as pathogenic by our laboratory. The variant was absent in 251348 control chromosomes. c.1743delA has been reported in the literature along with a PMS2 exon 11-12 duplication in at-least one individual with a confirmed case of Constitutional Mismatch Repair Deficiency (CMMRD) and in at-least one out of 26,906 participants undergoing carrier screening for autosomal dominant conditions in the Healthy Nevada Project (example, Shuen_2019, Grzymski_2020). To our knowledge, no variant specific experimental evidence demonstrating an impact on protein function has been reported. Five clinical diagnostic laboratories have submitted clinical-significance assessments for this variant to ClinVar after 2014 without evidence for independent evaluation. All laboratories classified the variant as pathogenic. Based on the evidence outlined above, the variant was classified as pathogenic.

Color Diagnostics, LLC DBA Color Health
Classification: Pathogenic for Hereditary cancer-predisposing syndrome. Last evaluated: 2021-07-13. Review status: criteria provided, single submitter. Criteria: ACMG Guidelines, 2015. Collection method: clinical testing. Allele origin: germline.
Comment: This variant deletes 1 nucleotide in exon 11 of the PMS2 gene, creating a frameshift and premature translation stop signal. This variant is expected to result in an absent or non-functional protein product. To our knowledge, this variant has not been reported in individuals affected with hereditary cancer in the literature. This variant has not been identified in the general population by the Genome Aggregation Database (gnomAD). Loss of PMS2 function is a known mechanism of disease. Based on the available evidence, this variant is classified as Pathogenic.

Literature cited by the submitters: PubMed 21376568 (cited by Labcorp Genetics (formerly Invitae), Labcorp); PubMed 24362816 (cited by Labcorp Genetics (formerly Invitae), Labcorp); PubMed 30608896 (cited by 3 submitters); PubMed 33471991 (cited by Quest Diagnostics Nichols Institute San Juan Capistrano); PubMed 32719484 (cited by Quest Diagnostics Nichols Institute San Juan Capistrano and Women's Health and Genetics/Laboratory Corporation of America, LabCorp).